The following is an entry in ClinVar:

NM_001378457.1(DMXL2):c.8180_8181del (p.Glu2726_Tyr2727insTer)

Gene: DMXL2 (Dmx like 2; minus strand). Cytogenetic location: 15q21.2.
Variant type: Microsatellite.
Coding change: c.8180_8181del on transcript NM_001378457.1 (MANE Select); coding-DNA positions 8180 to 8181, 2 bases deleted (AT; older notation c.8180_8181delAT).
Protein change: p.Glu2726_Tyr2727insTer.
Molecular consequence: nonsense. On other transcripts: non-coding transcript variant (2).
Genome position (GRCh38, 1-based): chr15:51,458,523-51,458,524, AT deleted on the plus strand (AT on the coding strand, the reverse complement: DMXL2 is on the minus strand); deleting any 2 consecutive bases within chr15:51,458,523-51,458,526 gives the same sequence; the c. name uses the placement nearest the transcript's 3' end. VCF-style (leftmost placement, unchanged base first): chr15-51458522-CAT-C. GRCh37 (hg19) VCF-style: chr15-51750719-CAT-C.
Other names: c.6095_6096del, p.Glu2031_Tyr2032insTer (NM_001378460.1); c.8117_8118del, p.Glu2705_Tyr2706insTer (NM_001174116.3); c.6206_6207del, p.Glu2068_Tyr2069insTer (NM_001174117.3); c.8177_8178del, p.Glu2725_Tyr2726insTer (NM_001378458.1); c.7892_7893del, p.Glu2630_Tyr2631insTer (NM_001378459.1); c.8114_8115del, p.Glu2704_Tyr2705insTer (NM_015263.5).
Identifiers: ClinVar variation 3637966 (VCV003637966.2).

ClinVar aggregate classification (germline): Pathogenic (1 of 4 stars; one submission).

Submission:

Labcorp Genetics (formerly Invitae), Labcorp
Classification: Pathogenic. Last evaluated: 2024-02-01. Review status: criteria provided, single submitter. Criteria: Invitae Variant Classification Sherloc (09022015). Collection method: clinical testing. Allele origin: germline.
Comment: This sequence change creates a premature translational stop signal (p.Tyr2706*) in the DMXL2 gene. It is expected to result in an absent or disrupted protein product. Loss-of-function variants in DMXL2 are known to be pathogenic (PMID: 30237576, 31688942). This variant is not present in population databases (gnomAD no frequency). This variant has not been reported in the literature in individuals affected with DMXL2-related conditions. For these reasons, this variant has been classified as Pathogenic.

Literature cited by the submitters: PubMed 30237576; PubMed 31688942.